The following is an entry in ClinVar:

NM_001374828.1(ARID1B):c.3872G>T (p.Ser1291Ile)

Gene: ARID1B (AT-rich interaction domain 1B; plus strand). Cytogenetic location: 6q25.3.
Variant type: single nucleotide variant.
Coding change: c.3872G>T on transcript NM_001374828.1 (MANE Select); coding-DNA position 3872, G replaced by T.
Protein change: p.Ser1291Ile; replaces serine 1291 with isoleucine.
Molecular consequence: missense variant.
Genome position (GRCh38, 1-based): chr6:157,184,388, G>T. VCF-style: chr6-157184388-G-T. GRCh37 (hg19) VCF-style: chr6-157505522-G-T.
Other names: c.3623G>T, p.Ser1208Ile (NM_001346813.1); c.1373G>T, p.Ser458Ile (NM_001363725.2); c.3752G>T, p.Ser1251Ile (NM_001371656.1, NM_001374820.1); c.3713G>T, p.Ser1238Ile (NM_017519.3); c.3503G>T, p.Ser1168Ile (NM_020732.3); c.3290G>T, p.Ser1097Ile (NM_175863.2); short protein forms S1208I, S1168I, S1251I, S458I, S1097I, S1238I, S1291I.
Identifiers: ClinVar variation 2755353 (VCV002755353.3), dbSNP rs1792808799, ClinGen allele CA366230673.
Genomic context (GRCh38, chr6:157,184,388, plus strand): 5'-ACCTGTTTGCCTTTGAGTGCAAGATCGAACGTGGGGAGGAGCCCCCGCCGGAAGTCTTCA[G>T]CACCGGGGACACCAAAAAGCAGCCCAAGCTCCAGCCGCCATCTCCTGGTAAGTGGCGGCG-3'
Protein context (NP_001361757.1, residues 1281-1301): RGEEPPPEVF[Ser1291Ile]TGDTKKQPKL

ClinVar aggregate classification (germline): Uncertain significance (1 of 4 stars; one submission).

Submission:

Labcorp Genetics (formerly Invitae), Labcorp
Classification: Uncertain significance. Last evaluated: 2023-10-12. Review status: criteria provided, single submitter. Criteria: Invitae Variant Classification Sherloc (09022015). Collection method: clinical testing. Allele origin: germline.
Comment: This sequence change replaces serine, which is neutral and polar, with isoleucine, which is neutral and non-polar, at codon 1168 of the ARID1B protein (p.Ser1168Ile). This variant is not present in population databases (gnomAD no frequency). This variant has not been reported in the literature in individuals affected with ARID1B-related conditions. Advanced modeling of protein sequence and biophysical properties (such as structural, functional, and spatial information, amino acid conservation, physicochemical variation, residue mobility, and thermodynamic stability) has been performed at Invitae for this missense variant, however the output from this modeling did not meet the statistical confidence thresholds required to predict the impact of this variant on ARID1B protein function. In summary, the available evidence is currently insufficient to determine the role of this variant in disease. Therefore, it has been classified as a Variant of Uncertain Significance.